The following is an entry in ClinVar:

NM_006231.4(POLE):c.4444+3A>G

Gene: POLE (DNA polymerase epsilon, catalytic subunit; minus strand). Cytogenetic location: 12q24.33.
Variant type: single nucleotide variant.
Coding change: c.4444+3A>G on transcript NM_006231.4 (MANE Select); 3 bases into the intron after coding-DNA position 4444, A replaced by G.
Molecular consequence: intron variant.
Genome position (GRCh38, 1-based): chr12:132,643,404, T>C on the plus strand (A>G on the coding strand, the complement: POLE is on the minus strand). VCF-style: chr12-132643404-T-C. GRCh37 (hg19) VCF-style: chr12-133219990-T-C.
Other names: IVS34DS, A-G, +3.
Identifiers: ClinVar variation 41417 (VCV000041417.16), dbSNP rs398122515, ClinGen allele CA130838.
Genomic context (GRCh38, chr12:132,643,404, plus strand): 5'-CAAGACCGTCACCCCAGATGTGTGGGAGGCAGGCACATGATGGGCGGCTGGTGCAGGCCA[T>C]ACCTGGTTCCAGGTAGCTGAACTGGGCCAGAGAGCGCATCTCCAGGTGCTCAAGAGCAAA-3'

ClinVar aggregate classification (germline): Conflicting classifications of pathogenicity. Review status: criteria provided, conflicting classifications (1 of 4 stars). 4 submissions from 4 submitters: Pathogenic (2); Uncertain significance (1). 1 of the submissions does not count toward it. Last evaluated 2025-08-07.

Conditions:
Hereditary cancer-predisposing syndrome. Also called: Hereditary neoplastic syndrome; Neoplastic Syndromes, Hereditary; Hereditary Cancer Syndrome; Tumor predisposition. Identifiers: Orphanet 140162, MedGen C0027672, MeSH D009386, MONDO:0015356.
Facial dysmorphism-immunodeficiency-livedo-short stature syndrome. Also called: FILS syndrome; Facial dysmorphism, immunodeficiency, livedo, and short stature. Identifiers: Orphanet 352712, MedGen C3554576, MONDO:0014058, OMIM 615139.

Allele frequency attached by ClinVar (database versions not stated): gnomAD exomes below 0.00001; gnomAD 0.00001.
gnomAD v4.1: 5 of 1,614,100 alleles (0.00031%); highest among the groups gnomAD compares: Non-Finnish European, 0.00042%; no homozygotes.

Submissions (4):

Labcorp Genetics (formerly Invitae), Labcorp
Classification: Pathogenic. Last evaluated: 2025-08-07. Review status: criteria provided, single submitter. Criteria: Invitae Variant Classification Sherloc (09022015). Collection method: clinical testing. Allele origin: germline.
Comment: This sequence change falls in intron 34 of the POLE gene. It does not directly change the encoded amino acid sequence of the POLE protein. RNA analysis indicates that this variant induces altered splicing and may result in an absent or altered protein product. This variant is present in population databases (rs398122515, gnomAD 0.007%). This variant has been observed in individual(s) with facial dysmorphism, immunodeficiency, livedo, and short stature (FILS syndrome) (PMID: 23230001, 25948378). It has also been observed to segregate with disease in related individuals (PMID: 23230001, 25948378). However, it has not been observed in individuals with colonic adenomatous polyps or colon cancer. ClinVar contains an entry for this variant (Variation ID: 41417). Variants that disrupt the consensus splice site are a relatively common cause of aberrant splicing (PMID: 17576681, 9536098). Studies have shown that this variant results in skipping of exon 34, and produces a non-functional protein and/or introduces a premature termination codon (PMID: 23230001; internal data). For these reasons, this variant has been classified as Pathogenic.

Ambry Genetics
Classification: Uncertain significance for Hereditary cancer-predisposing syndrome. Last evaluated: 2025-07-31. Review status: criteria provided, single submitter. Criteria: Ambry Variant Classification Scheme 2023. Collection method: clinical testing. Allele origin: germline.
Comment: The c.4444+3A>G intronic variant results from an A to G substitution 3 nucleotides after coding exon 34 in the POLE gene. This nucleotide position is well conserved in available vertebrate species. This variant has been identified in the homozygous state in individuals with features consistent with POLE deficiency and segregated with disease in at least one family (Pachlopnik Schmid J et al. J. Exp. Med., 2012 Dec;209:2323-30; Thiffault I et al. BMC Med. Genet., 2015 May;16:31). In silico splice site analysis predicts that this alteration may weaken the native splice donor site. RNA studies have demonstrated that this alteration results in abnormal splicing in the set of samples tested (Pachlopnik Schmid J et al. J. Exp. Med., 2012 Dec;209:2323-30). Although biallelic loss of function of POLE has been associated with autosomal recessive POLE deficiency, haploinsufficiency of POLE has not been established as a mechanism of disease for POLE-related polymerase proofreading-associated polyposis (PPAP) and POLE-related CMMRD-like syndrome. Based on the supporting evidence, this variant is expected to be causative of POLE deficiency when present along with a second pathogenic variant on the other allele; however, its clinical significance for PPAP and POLE-related CMMRD-like syndrome is unclear.

Women's Health and Genetics/Laboratory Corporation of America, LabCorp
Classification: Pathogenic for Facial dysmorphism-immunodeficiency-livedo-short stature syndrome. Last evaluated: 2025-03-31. Review status: criteria provided, single submitter. Criteria: LabCorp Variant Classification Summary - May 2015. Collection method: clinical testing. Allele origin: germline.
Comment: Variant summary: POLE c.4444+3A>G alters a conserved nucleotide located close to a canonical splice site and therefore could affect mRNA splicing, leading to a significantly altered protein sequence. Several computational tools predict a significant impact on normal splicing: Two predict the variant weakens a 5' donor site. Two predict the variant no significant impact on splicing. At least one publication reports experimental evidence that this variant affects mRNA splicing. The variant was absent in 251402 control chromosomes. c.4444+3A>G has been reported in the literature in multiple individuals affected with Facial Dysmorphism, Immunodeficiency, Livedo, And Short Stature. These data indicate that the variant is very likely to be associated with disease. At least one publication reports experimental evidence evaluating an impact on protein function and showed that this variant results in severely decreased expression of full-length protein. The following publication have been ascertained in the context of this evaluation (PMID: 23230001). ClinVar contains an entry for this variant (Variation ID: 41417). Based on the evidence outlined above, the variant was classified as pathogenic.

OMIM
Classification: Pathogenic for FACIAL DYSMORPHISM, IMMUNODEFICIENCY, LIVEDO, AND SHORT STATURE. Last evaluated: 2012-12-17. Review status: no assertion criteria provided. Collection method: literature only. Allele origin: germline. Not counted in ClinVar's aggregate classification.

Literature cited by the submitters: PubMed 23230001 (cited by 4 submitters); PubMed 25948378 (cited by Labcorp Genetics (formerly Invitae), Labcorp and Ambry Genetics); PubMed 17576681 (cited by Labcorp Genetics (formerly Invitae), Labcorp); PubMed 9536098 (cited by Labcorp Genetics (formerly Invitae), Labcorp).